The following is an entry in ClinVar:

ClinVar aggregate classification (germline): Uncertain significance (1 of 4 stars; one submission).

Conditions:
Left-right axis malformations. Identifiers: MedGen C1866091.

Allele frequency attached by ClinVar (database versions not stated): TOPMed below 0.00001; gnomAD 0.00001.
gnomAD v4.1: 3 of 1,613,936 alleles (0.00019%); highest among the groups gnomAD compares: Non-Finnish European, 0.00025%; no homozygotes.

Submission:

Labcorp Genetics (formerly Invitae), Labcorp
Classification: Uncertain significance for Left-right axis malformations. Last evaluated: 2023-10-05. Review status: criteria provided, single submitter. Criteria: Invitae Variant Classification Sherloc (09022015). Collection method: clinical testing. Allele origin: germline.
Comment: This sequence change replaces arginine, which is basic and polar, with serine, which is neutral and polar, at codon 347 of the LEFTY2 protein (p.Arg347Ser). This variant is present in population databases (no rsID available, gnomAD 0.007%). This variant has not been reported in the literature in individuals affected with LEFTY2-related conditions. Advanced modeling of protein sequence and biophysical properties (such as structural, functional, and spatial information, amino acid conservation, physicochemical variation, residue mobility, and thermodynamic stability) has been performed at Invitae for this missense variant, however the output from this modeling did not meet the statistical confidence thresholds required to predict the impact of this variant on LEFTY2 protein function. In summary, the available evidence is currently insufficient to determine the role of this variant in disease. Therefore, it has been classified as a Variant of Uncertain Significance.

NM_003240.5(LEFTY2):c.1041G>T (p.Arg347Ser)

Gene: LEFTY2 (left-right determination factor 2; minus strand). Cytogenetic location: 1q42.12.
Variant type: single nucleotide variant.
Coding change: c.1041G>T on transcript NM_003240.5 (MANE Select); coding-DNA position 1041, G replaced by T.
Protein change: p.Arg347Ser; replaces arginine 347 with serine.
Molecular consequence: missense variant.
Genome position (GRCh38, 1-based): chr1:225,937,501, C>A on the plus strand (G>T on the coding strand, the complement: LEFTY2 is on the minus strand). VCF-style: chr1-225937501-C-A. GRCh37 (hg19) VCF-style: chr1-226125201-C-A.
Other names: c.939G>T, p.Arg313Ser (NM_001172425.3); short protein forms R313S, R347S.
Identifiers: ClinVar variation 3024022 (VCV003024022.3), dbSNP rs1373851430, ClinGen allele CA345012795.